The following is an entry in ClinVar:

ClinVar aggregate classification (germline): Pathogenic (1 of 4 stars; one submission).

Conditions:
Familial focal epilepsy with variable foci (FPEVF). Identifiers: Orphanet 98820, MedGen C1858477, MONDO:0020310.

Submission:

Labcorp Genetics (formerly Invitae), Labcorp
Classification: Pathogenic for Familial focal epilepsy with variable foci. Last evaluated: 2020-01-28. Review status: criteria provided, single submitter. Criteria: Invitae Variant Classification Sherloc (09022015). Collection method: clinical testing. Allele origin: germline.
Comment: For these reasons, this variant has been classified as Pathogenic. Loss-of-function variants in DEPDC5 are known to be pathogenic (PMID: 23542697, 23542701). This variant has not been reported in the literature in individuals with DEPDC5-related conditions. This variant is an out-of-frame deletion of the genomic region encompassing exons 8-10 of the DEPDC5 gene. This is expected to create a premature translational stop signal and result in an absent or disrupted protein product.

Literature cited by the submitters: PubMed 23542697; PubMed 23542701.

NC_000022.10:g.(?_32174065)_(32180881_?)del

Gene: DEPDC5 (DEP domain containing 5, GATOR1 subcomplex subunit; plus strand). Cytogenetic location: 22q12.2.
Variant type: Deletion.
Identifiers: ClinVar variation 1073187 (VCV001073187.5).